The following is an entry in ClinVar:

NM_002941.4(ROBO1):c.185G>A (p.Arg62His)

Gene: ROBO1 (roundabout guidance receptor 1; minus strand). Cytogenetic location: 3p12.3.
Variant type: single nucleotide variant.
Coding change: c.185G>A on transcript NM_002941.4 (MANE Select); coding-DNA position 185, G replaced by A.
Protein change: p.Arg62His; replaces arginine 62 with histidine.
Molecular consequence: missense variant.
Genome position (GRCh38, 1-based): chr3:78,938,915, C>T on the plus strand (G>A on the coding strand, the complement: ROBO1 is on the minus strand). VCF-style: chr3-78938915-C-T. GRCh37 (hg19) VCF-style: chr3-78988065-C-T.
Other names: c.68G>A, p.Arg23His (NM_001145844.1, NM_001145845.2, NM_133631.4); short protein forms R62H, R23H.
Identifiers: ClinVar variation 2176529 (VCV002176529.4), dbSNP rs772060751, ClinGen allele CA2499305.
Genomic context (GRCh38, chr3:78,938,915, plus strand): 5'-CCTTTTGAGACAATCAGGTCTGAAGGGTGTTCAACAATGCGAGGTGGAAAATCTTCCTGA[C>T]GAAGACGGGAGCCTGCAGAAGAATTCACAAAATATCTTCGTATATCACTTGAAAACAGTT-3'
Protein context (NP_002932.1, residues 52-72): NSLGYTGSRL[Arg62His]QEDFPPRIVE

ClinVar aggregate classification (germline): Uncertain significance (1 of 4 stars; one submission).

Allele frequency attached by ClinVar (database versions not stated): TOPMed 0.00001; ExAC 0.00003; gnomAD 0.00003.

Submission:

Labcorp Genetics (formerly Invitae), Labcorp
Classification: Uncertain significance. Last evaluated: 2024-10-30. Review status: criteria provided, single submitter. Criteria: Invitae Variant Classification Sherloc (09022015). Collection method: clinical testing. Allele origin: germline.
Comment: This sequence change replaces arginine, which is basic and polar, with histidine, which is basic and polar, at codon 62 of the ROBO1 protein (p.Arg62His). This variant is present in population databases (rs772060751, gnomAD 0.02%). This missense change has been observed in individual(s) with ROBO1-related conditions (PMID: 32508047). ClinVar contains an entry for this variant (Variation ID: 2176529). Invitae Evidence Modeling of protein sequence and biophysical properties (such as structural, functional, and spatial information, amino acid conservation, physicochemical variation, residue mobility, and thermodynamic stability) indicates that this missense variant is not expected to disrupt ROBO1 protein function with a negative predictive value of 95%. In summary, the available evidence is currently insufficient to determine the role of this variant in disease. Therefore, it has been classified as a Variant of Uncertain Significance.

Literature cited by the submitters: PubMed 32508047.